The following is an entry in ClinVar:

ClinVar aggregate classification (germline): Likely benign (0 of 4 stars; one submission).

Conditions:
SH2B1-related disorder. Also called: SH2B1-related condition.

gnomAD v4.1: 1 of 1,613,436 alleles (0.000062%); highest among the groups gnomAD compares: Non-Finnish European, 0.000085%; no homozygotes.

Submission:

PreventionGenetics, part of Exact Sciences
Classification: Likely benign for SH2B1-related condition. Last evaluated: 2024-06-25. Review status: no assertion criteria provided. Collection method: clinical testing. Allele origin: germline.
Comment: This variant is classified as likely benign based on ACMG/AMP sequence variant interpretation guidelines (Richards et al. 2015 PMID: 25741868, with internal and published modifications).

NM_001387430.1(SH2B1):c.1677A>G (p.Thr559=)

Gene: SH2B1 (SH2B adaptor protein 1; plus strand). Cytogenetic location: 16p11.2.
Variant type: single nucleotide variant.
Coding change: c.1677A>G on transcript NM_001387430.1 (MANE Select); coding-DNA position 1677, A replaced by G.
Protein change: p.Thr559=; no amino-acid change (threonine 559 retained).
Molecular consequence: synonymous variant.
Genome position (GRCh38, 1-based): chr16:28,872,353, A>G. VCF-style: chr16-28872353-A-G. GRCh37 (hg19) VCF-style: chr16-28883674-A-G.
Other names: c.1677A>G, p.Thr559= (NM_001145795.2, NM_001145796.2, NM_001145797.2 and 4 more transcripts); c.669A>G, p.Thr223= (NM_001308294.2).
Identifiers: ClinVar variation 3358354 (VCV003358354.1).